The following is an entry in ClinVar:

ClinVar aggregate classification (germline): Uncertain significance (1 of 4 stars; one submission).

Allele frequency attached by ClinVar (database versions not stated): TOPMed below 0.00001; ExAC 0.00001.
gnomAD v4.1: 1 of 1,613,920 alleles (0.000062%); highest among the groups gnomAD compares: African/African-American, 0.0013%; no homozygotes.

Submission:

Labcorp Genetics (formerly Invitae), Labcorp
Classification: Uncertain significance. Last evaluated: 2022-06-01. Review status: criteria provided, single submitter. Criteria: Invitae Variant Classification Sherloc (09022015). Collection method: clinical testing. Allele origin: germline.
Comment: In summary, the available evidence is currently insufficient to determine the role of this variant in disease. Therefore, it has been classified as a Variant of Uncertain Significance. Algorithms developed to predict the effect of missense changes on protein structure and function are either unavailable or do not agree on the potential impact of this missense change (SIFT: "Deleterious"; PolyPhen-2: "Benign"; Align-GVGD: "Class C0"). This variant has not been reported in the literature in individuals affected with POLE-related conditions. This variant is present in population databases (rs769073696, gnomAD 0.01%). This sequence change replaces methionine, which is neutral and non-polar, with leucine, which is neutral and non-polar, at codon 831 of the POLE protein (p.Met831Leu).

NM_006231.4(POLE):c.2491A>T (p.Met831Leu)

Gene: POLE (DNA polymerase epsilon, catalytic subunit; minus strand). Cytogenetic location: 12q24.33.
Variant type: single nucleotide variant.
Coding change: c.2491A>T on transcript NM_006231.4 (MANE Select); coding-DNA position 2491, A replaced by T.
Protein change: p.Met831Leu; replaces methionine 831 with leucine.
Molecular consequence: missense variant.
Genome position (GRCh38, 1-based): chr12:132,664,440, T>A on the plus strand (A>T on the coding strand, the complement: POLE is on the minus strand). VCF-style: chr12-132664440-T-A. GRCh37 (hg19) VCF-style: chr12-133241026-T-A.
Other names: short protein forms M831L.
Identifiers: ClinVar variation 2001597 (VCV002001597.4), dbSNP rs769073696, ClinGen allele CA6893527.